The following is an entry in ClinVar:

ClinVar aggregate classification (germline): Pathogenic (1 of 4 stars; one submission).

Conditions:
46,XY sex reversal 3. Also called: 46,XY SEX REVERSAL, PARTIAL OR COMPLETE, NR5A1-RELATED; DISORDER OF SEX DEVELOPMENT, 46,XY, NR5A1-RELATED; 46,XY GONADAL DYSGENESIS, PARTIAL OR COMPLETE, WITH OR WITHOUT ADRENAL FAILURE; NR5A1-related 46,XY complete gonadal dysgenesis; SEX REVERSAL, XY, WITH OR WITHOUT ADRENAL FAILURE. Identifiers: MedGen C3489793, MONDO:0013066, OMIM 612965.

gnomAD v4.1: 1 of 1,610,010 alleles (0.000062%); highest among the groups gnomAD compares: East Asian, 0.0022%; no homozygotes.

Submission:

3billion
Classification: Pathogenic for 46,XY sex reversal 3. Last evaluated: 2022-05-22. Review status: criteria provided, single submitter. Criteria: ACMG Guidelines, 2015. Collection method: clinical testing. Allele origin: germline. Affected: yes. Observed: 1 heterozygote.
Comment: The variant is not observed in the gnomAD v2.1.1 dataset. Stop-gained (nonsense): predicted to result in a loss or disruption of normal protein function through nonsense-mediated decay (NMD) or protein truncation. Multiple pathogenic variants are reported downstream of the variant. The variant has been reported to be associated with NR5A1- related disorder (PMID: 31513305). Therefore, this variant is classified as pathogenic according to the recommendation of ACMG/AMP guideline.

Literature cited by the submitters: PubMed 31513305.

NM_004959.5(NR5A1):c.11C>A (p.Ser4Ter)

Gene: NR5A1 (nuclear receptor subfamily 5 group A member 1; minus strand). Cytogenetic location: 9q33.3.
Variant type: single nucleotide variant.
Coding change: c.11C>A on transcript NM_004959.5 (MANE Select); coding-DNA position 11, C replaced by A.
Protein change: p.Ser4Ter; replaces serine 4 with a stop codon.
Molecular consequence: nonsense.
Genome position (GRCh38, 1-based): chr9:124,503,385, G>T on the plus strand (C>A on the coding strand, the complement: NR5A1 is on the minus strand). VCF-style: chr9-124503385-G-T. GRCh37 (hg19) VCF-style: chr9-127265664-G-T.
Other names: short protein forms S4*.
Identifiers: ClinVar variation 1687524 (VCV001687524.1), dbSNP rs145936761, ClinGen allele CA374890846.